The following is an entry in ClinVar:

NM_015466.4(PTPN23):c.2359C>A (p.Leu787Ile)

Gene: PTPN23 (protein tyrosine phosphatase non-receptor type 23; plus strand). Cytogenetic location: 3p21.31.
Variant type: single nucleotide variant.
Coding change: c.2359C>A on transcript NM_015466.4 (MANE Select); coding-DNA position 2359, C replaced by A.
Protein change: p.Leu787Ile; replaces leucine 787 with isoleucine.
Molecular consequence: missense variant.
Genome position (GRCh38, 1-based): chr3:47,410,157, C>A. VCF-style: chr3-47410157-C-A. GRCh37 (hg19) VCF-style: chr3-47451647-C-A.
Other names: c.1981C>A, p.Leu661Ile (NM_001304482.2); c.2359C>A (NM_015466.2); short protein forms L787I, L661I.
Identifiers: ClinVar variation 1464626 (VCV001464626.18), dbSNP rs765845422, ClinGen allele CA2366014.

ClinVar aggregate classification (germline): Uncertain significance. Review status: criteria provided, multiple submitters, no conflicts (2 of 4 stars). 3 submissions from 3 submitters: Uncertain significance (3). Last evaluated 2025-11-18.

Conditions:
Inborn genetic diseases. Identifiers: MedGen C0950123, MeSH D030342.

gnomAD v4.1: 142 of 1,592,080 alleles (0.0089%); highest among the groups gnomAD compares: Non-Finnish European, 0.012%; no homozygotes.

Submissions (3):

Labcorp Genetics (formerly Invitae), Labcorp
Classification: Uncertain significance. Last evaluated: 2025-11-18. Review status: criteria provided, single submitter. Criteria: Invitae Variant Classification Sherloc (09022015). Collection method: clinical testing. Allele origin: germline.
Comment: This sequence change replaces leucine, which is neutral and non-polar, with isoleucine, which is neutral and non-polar, at codon 787 of the PTPN23 protein (p.Leu787Ile). This variant is present in population databases (rs765845422, gnomAD 0.03%). This variant has not been reported in the literature in individuals affected with PTPN23-related conditions. ClinVar contains an entry for this variant (Variation ID: 1464626). An algorithm developed to predict the effect of missense changes on protein structure and function outputs the following: PolyPhen-2: "Not Available". The isoleucine amino acid residue is found in multiple mammalian species, which suggests that this missense change does not adversely affect protein function. In summary, the available evidence is currently insufficient to determine the role of this variant in disease. Therefore, it has been classified as a Variant of Uncertain Significance.

Ambry Genetics
Classification: Uncertain significance for Inborn genetic diseases. Last evaluated: 2025-10-18. Review status: criteria provided, single submitter. Criteria: Ambry Variant Classification Scheme 2023. Collection method: clinical testing. Allele origin: germline.

CeGaT Center for Human Genetics Tuebingen
Classification: Uncertain significance. Last evaluated: 2025-10-01. Review status: criteria provided, single submitter. Criteria: CeGaT Center For Human Genetics Tuebingen Variant Classification Criteria Version 2. Collection method: clinical testing. Allele origin: germline. Affected: yes. Observed: 2 variant alleles.
Comment: PTPN23: PM2